The following is an entry in ClinVar:

NM_000368.5(TSC1):c.2272C>G (p.Gln758Glu)

Gene: TSC1 (TSC complex subunit 1; minus strand). Cytogenetic location: 9q34.13.
Variant type: single nucleotide variant.
Coding change: c.2272C>G on transcript NM_000368.5 (MANE Select); coding-DNA position 2272, C replaced by G.
Protein change: p.Gln758Glu; replaces glutamine 758 with glutamic acid.
Molecular consequence: missense variant. On other transcripts: non-coding transcript variant (5).
Genome position (GRCh38, 1-based): chr9:132,902,724, G>C on the plus strand (C>G on the coding strand, the complement: TSC1 is on the minus strand). VCF-style: chr9-132902724-G-C. GRCh37 (hg19) VCF-style: chr9-135778111-G-C.
Other names: c.2269C>G, p.Gln757Glu (NM_001162426.2, NM_001406597.1, NM_001406598.1 and 4 more transcripts); c.2119C>G, p.Gln707Glu (NM_001162427.2, NM_001406610.1); c.1909C>G, p.Gln637Glu (NM_001362177.2, NM_001406614.1, NM_001406615.1 and 5 more transcripts); c.2272C>G, p.Gln758Glu (NM_001406592.1, NM_001406593.1, NM_001406594.1 and 5 more transcripts); c.2257C>G, p.Gln753Glu (NM_001406601.1, NM_001406602.1); c.2254C>G, p.Gln752Glu (NM_001406603.1, NM_001406604.1); c.1906C>G, p.Gln636Glu (NM_001406620.1, NM_001406621.1, NM_001406622.1 and 2 more transcripts); c.1321C>G, p.Gln441Glu (NM_001406626.1); and 3 more; short protein forms Q407E, Q636E, Q753E, Q706E, Q757E, Q441E, Q752E, Q440E.
Identifiers: ClinVar variation 3673122 (VCV003673122.3).

ClinVar aggregate classification (germline): Uncertain significance. Review status: criteria provided, multiple submitters, no conflicts (2 of 4 stars). 2 submissions from 2 submitters: Uncertain significance (2). Last evaluated 2025-06-10.

Conditions:
Tuberous sclerosis 1 (TSC1). Identifiers: Orphanet 805, MedGen C1854465, MONDO:0008612, OMIM 191100.

Submissions (2):

GeneDx
Classification: Uncertain significance. Last evaluated: 2025-06-10. Review status: criteria provided, single submitter. Criteria: GeneDx Variant Classification Process June 2021. Collection method: clinical testing. Allele origin: germline. Affected: yes.
Comment: Not observed at significant frequency in large population cohorts (gnomAD); In silico analysis suggests that this missense variant does not alter protein structure/function; Has not been previously published as pathogenic or benign to our knowledge; This variant is associated with the following publications: (PMID: 18466115)

Labcorp Genetics (formerly Invitae), Labcorp
Classification: Uncertain significance for Tuberous sclerosis 1. Last evaluated: 2024-01-28. Review status: criteria provided, single submitter. Criteria: Invitae Variant Classification Sherloc (09022015). Collection method: clinical testing. Allele origin: germline.
Comment: This sequence change replaces glutamine, which is neutral and polar, with glutamic acid, which is acidic and polar, at codon 758 of the TSC1 protein (p.Gln758Glu). This variant is not present in population databases (gnomAD no frequency). This variant has not been reported in the literature in individuals affected with TSC1-related conditions. Advanced modeling of protein sequence and biophysical properties (such as structural, functional, and spatial information, amino acid conservation, physicochemical variation, residue mobility, and thermodynamic stability) performed at Invitae indicates that this missense variant is not expected to disrupt TSC1 protein function with a negative predictive value of 95%. In summary, the available evidence is currently insufficient to determine the role of this variant in disease. Therefore, it has been classified as a Variant of Uncertain Significance.